The following is an entry in ClinVar:

ClinVar aggregate classification (germline): Likely benign. Review status: criteria provided, multiple submitters, no conflicts (2 of 4 stars). 2 submissions from 2 submitters: Likely benign (2). Last evaluated 2025-09-27.

Conditions:
Malignant hyperthermia, susceptibility to, 1 (MHS1). Also called: Malignant hyperthermia suceptibility 1; RYR1-Related Malignant Hyperthermia Susceptibility; Anesthesia related hyperthermia; Malignant hyperpyrexia; Fulminating hyperpyrexia; Pharmacogenic myopathy. Identifiers: Orphanet 423, MedGen C2930980, MONDO:0007783, OMIM 145600.
RYR1-related disorder. Also called: RYR1-related disorders; RYR1-related condition. Identifiers: MedGen CN239331.

Allele frequency attached by ClinVar (database versions not stated): TOPMed below 0.00001; gnomAD 0.00001; gnomAD exomes 0.00001.
gnomAD v4.1: 13 of 1,613,824 alleles (0.00081%); highest among the groups gnomAD compares: Non-Finnish European, 0.0011%; no homozygotes.

Submissions (2):

Labcorp Genetics (formerly Invitae), Labcorp
Classification: Likely benign for RYR1-related disorder. Last evaluated: 2025-09-27. Review status: criteria provided, single submitter. Criteria: Invitae Variant Classification Sherloc (09022015). Collection method: clinical testing. Allele origin: germline.

All of Us Research Program, National Institutes of Health
Classification: Likely benign for Malignant hyperthermia, susceptibility to, 1. Last evaluated: 2024-01-11. Review status: criteria provided, single submitter. Criteria: ACMG Guidelines, 2015. Collection method: clinical testing. Allele origin: germline. Inheritance: Autosomal dominant inheritance. Observed: 3 variant alleles, 3 heterozygotes.
Comment: This study involves interpretation of variants in research participants for the purpose of population health screening. Participant phenotype was not available at the time of variant classification. Additional details can be found in publication PMID: 35346344, PMCID: PMC8962531

NM_000540.3(RYR1):c.1441-15T>C

Genes: RYR1 (ryanodine receptor 1; plus strand), LOC129391106 (MPRA-validated peak3472 silencer; plus strand). Cytogenetic location: 19q13.2.
Variant type: single nucleotide variant.
Coding change: c.1441-15T>C on transcript NM_000540.3 (MANE Select); 15 bases into the intron before coding-DNA position 1441, T replaced by C.
Molecular consequence: intron variant.
Genome position (GRCh38, 1-based): chr19:38,455,220, T>C. VCF-style: chr19-38455220-T-C. GRCh37 (hg19) VCF-style: chr19-38945860-T-C.
Other names: c.1441-15T>C (NM_001042723.2).
Identifiers: ClinVar variation 2969324 (VCV002969324.4), dbSNP rs1166701006, ClinGen allele CA882041813.
Genomic context (GRCh38, chr19:38,455,220, plus strand): 5'-TCGTGAATCCAAGAAAGACAAGGAAGGGAGGGCCTGGGTCTCCTATTGTGATGCCTCTTA[T>C]TTTCCTCATCCTAGGGGATGCTCTCCATGGTCCTGAATTGCATAGACCGCCTAAATGTCT-3'